The following is an entry in ClinVar:

ClinVar aggregate classification (germline): Pathogenic/Likely pathogenic. Review status: criteria provided, multiple submitters, no conflicts (2 of 4 stars). 2 submissions from 2 submitters: Pathogenic (1); Likely pathogenic (1). Last evaluated 2025-11-07.

Conditions:
Retinitis pigmentosa 12 (RP12). Also called: RP WITH OR WITHOUT PRESERVED PARAARTERIOLE RETINAL PIGMENT EPITHELIUM; RETINITIS PIGMENTOSA WITH OR WITHOUT PARAARTERIOLAR PRESERVATION OF RETINAL PIGMENT EPITHELIUM; RP WITH OR WITHOUT PPRPE. Identifiers: Orphanet 791, MedGen C1838647, MONDO:0010818, OMIM 600105.
Leber congenital amaurosis 8 (LCA8). Identifiers: Orphanet 65, MedGen C3151202, MONDO:0013453, OMIM 613835.
Leber congenital amaurosis (LCA). Also called: Leber's amaurosis. Identifiers: Orphanet 65, MedGen C0339527, MeSH D057130, MONDO:0018998.

Submissions (2):

Natera, Inc.
Classification: Likely pathogenic for Leber congenital amaurosis. Last evaluated: 2025-11-07. Review status: criteria provided, single submitter. Criteria: Natera Variant Classification Schema (03/2026). Collection method: clinical testing. Allele origin: germline.
Comment: The c.2086T>C variant in CRB1 is a missense variant predicted to cause substitution of cysteine to arginine at amino acid 696. This variant is rare in the general population with a frequency below the threshold expected for the associated phenotype(s). This variant has been observed in one or more individuals affected with the associated recessive disease, as either homozygous or compound heterozygous with a second variant (PMID: 40610573, 28460491). Additionally, this variant has been observed to segregate in affected family members (PMID: 28460491). Computational prediction algorithms indicate this variant is likely to affect gene or protein function. Given the available evidence, this variant is classified as Likely Pathogenic.

Labcorp Genetics (formerly Invitae), Labcorp
Classification: Pathogenic for Leber congenital amaurosis 8; Retinitis pigmentosa 12. Last evaluated: 2024-10-16. Review status: criteria provided, single submitter. Criteria: Invitae Variant Classification Sherloc (09022015). Collection method: clinical testing. Allele origin: germline.
Comment: This sequence change replaces cysteine, which is neutral and slightly polar, with arginine, which is basic and polar, at codon 696 of the CRB1 protein (p.Cys696Arg). This variant is not present in population databases (gnomAD no frequency). This missense change has been observed in individual(s) with retinal degeneration (PMID: 28460491). In at least one individual the data is consistent with being in trans (on the opposite chromosome) from a pathogenic variant. It has also been observed to segregate with disease in related individuals. ClinVar contains an entry for this variant (Variation ID: 2202908). Invitae Evidence Modeling of protein sequence and biophysical properties (such as structural, functional, and spatial information, amino acid conservation, physicochemical variation, residue mobility, and thermodynamic stability) has been performed for this missense variant. However, the output from this modeling did not meet the statistical confidence thresholds required to predict the impact of this variant on CRB1 protein function. For these reasons, this variant has been classified as Pathogenic.

Literature cited by the submitters: PubMed 40610573 (cited by Natera, Inc.); PubMed 28460491 (cited by Natera, Inc. and Labcorp Genetics (formerly Invitae), Labcorp).

NM_201253.3(CRB1):c.2086T>C (p.Cys696Arg)

Gene: CRB1 (crumbs cell polarity complex component 1; plus strand). Cytogenetic location: 1q31.3.
Variant type: single nucleotide variant.
Coding change: c.2086T>C on transcript NM_201253.3 (MANE Select); coding-DNA position 2086, T replaced by C.
Protein change: p.Cys696Arg; replaces cysteine 696 with arginine.
Molecular consequence: missense variant. On other transcripts: non-coding transcript variant (2).
Genome position (GRCh38, 1-based): chr1:197,421,914, T>C. VCF-style: chr1-197421914-T-C. GRCh37 (hg19) VCF-style: chr1-197391044-T-C.
Other names: c.2086T>C (NM_201253.2); c.1750T>C, p.Cys584Arg (NM_001193640.2); c.1879T>C, p.Cys627Arg (NM_001257965.2); c.2086T>C, p.Cys696Arg (NM_001257966.2); short protein forms C584R, C627R, C696R.
Identifiers: ClinVar variation 2202908 (VCV002202908.5), dbSNP rs2528114733, ClinGen allele CA344034095.